The following is an entry in ClinVar:

ClinVar aggregate classification (germline): Uncertain significance (1 of 4 stars; one submission).

Allele frequency attached by ClinVar (database versions not stated): gnomAD exomes 0.00001.

Submission:

Labcorp Genetics (formerly Invitae), Labcorp
Classification: Uncertain significance. Last evaluated: 2025-08-18. Review status: criteria provided, single submitter. Criteria: Invitae Variant Classification Sherloc (09022015). Collection method: clinical testing. Allele origin: germline.
Comment: This sequence change replaces arginine, which is basic and polar, with cysteine, which is neutral and slightly polar, at codon 455 of the MICAL1 protein (p.Arg455Cys). This variant is not present in population databases (gnomAD no frequency). This variant has not been reported in the literature in individuals affected with MICAL1-related conditions. ClinVar contains an entry for this variant (Variation ID: 1370526). An algorithm developed to predict the effect of missense changes on protein structure and function (PolyPhen-2) suggests that this variant is likely to be disruptive. In summary, the available evidence is currently insufficient to determine the role of this variant in disease. Therefore, it has been classified as a Variant of Uncertain Significance.

NM_022765.4(MICAL1):c.1306C>T (p.Arg436Cys)

Gene: MICAL1 (microtubule associated monooxygenase, calponin and LIM domain containing 1; minus strand). Cytogenetic location: 6q21.
Variant type: single nucleotide variant.
Coding change: c.1306C>T on transcript NM_022765.4 (MANE Select); coding-DNA position 1306, C replaced by T.
Protein change: p.Arg436Cys; replaces arginine 436 with cysteine.
Molecular consequence: missense variant.
Genome position (GRCh38, 1-based): chr6:109,449,971, G>A on the plus strand (C>T on the coding strand, the complement: MICAL1 is on the minus strand). VCF-style: chr6-109449971-G-A. GRCh37 (hg19) VCF-style: chr6-109771174-G-A.
Other names: c.1048C>T, p.Arg350Cys (NM_001159291.2); c.1363C>T, p.Arg455Cys (NM_001286613.2); short protein forms R350C, R455C, R436C.
Identifiers: ClinVar variation 1370526 (VCV001370526.6), dbSNP rs1775465006, ClinGen allele CA365230438.
Genomic context (GRCh38, chr6:109,449,971, plus strand): 5'-CTTCCTGAACCTTGTCACATGTCCTGCCCTGCCCACATCCTCCTCAACTCAGGTCTTACC[G>A]CTCAGCCAACACCTCTAGGGACTCAGCGCCCTCTGCCCACCGCTTCACCATCCAGGCTGC-3'
Protein context (NP_073602.3, residues 426-446): GAESLEVLAE[Arg436Cys]ESLYQLLSQT